The following is an entry in ClinVar:

ClinVar aggregate classification (germline): Conflicting classifications of pathogenicity. Review status: criteria provided, conflicting classifications (1 of 4 stars). 7 submissions from 7 submitters: Uncertain significance (4); Likely benign (2). 1 of the submissions does not count toward it. Last evaluated 2026-01-27.

Conditions:
Cardiovascular phenotype. Identifiers: MedGen CN230736.
ANK2-related disorder. Also called: ANK2-related condition.
Long QT syndrome (LQTS). Identifiers: MedGen C0023976, MeSH D008133, MONDO:0002442. Disease mechanism: loss of function. Inheritance: Various modes of inheritance.
Cardiac arrhythmia, ankyrin-B-related. Also called: ANKYRIN-B SYNDROME. Identifiers: Orphanet 101016, Orphanet 768, MedGen C1970119, MONDO:0010958, OMIM 600919.

Allele frequency attached by ClinVar (database versions not stated): gnomAD 0.00009; TOPMed 0.00013; 1000 Genomes Project 30x 0.00031.
gnomAD v4.1: 354 of 1,614,122 alleles (0.022%); highest among the groups gnomAD compares: Non-Finnish European, 0.029%; no homozygotes.

Submissions (7):

Labcorp Genetics (formerly Invitae), Labcorp
Classification: Uncertain significance for Long QT syndrome. Last evaluated: 2026-01-27. Review status: criteria provided, single submitter. Criteria: Invitae Variant Classification Sherloc (09022015). Collection method: clinical testing. Allele origin: germline.
Comment: This sequence change replaces arginine, which is basic and polar, with leucine, which is neutral and non-polar, at codon 379 of the ANK2 protein (p.Arg379Leu). This variant is present in population databases (rs186264035, gnomAD 0.02%). This variant has not been reported in the literature in individuals affected with ANK2-related conditions. ClinVar contains an entry for this variant (Variation ID: 190592). Invitae Evidence Modeling of protein sequence and biophysical properties (such as structural, functional, and spatial information, amino acid conservation, physicochemical variation, residue mobility, and thermodynamic stability) has been performed for this missense variant. However, the output from this modeling did not meet the statistical confidence thresholds required to predict the impact of this variant on ANK2 protein function. In summary, the available evidence is currently insufficient to determine the role of this variant in disease. Therefore, it has been classified as a Variant of Uncertain Significance.

Blueprint Genetics
Classification: Likely benign. Last evaluated: 2024-06-03. Review status: criteria provided, single submitter. Criteria: ACMG Guidelines, 2015. Collection method: clinical testing. Allele origin: germline.

Ambry Genetics
Classification: Likely benign for Cardiovascular phenotype. Last evaluated: 2023-09-14. Review status: criteria provided, single submitter. Criteria: Ambry Variant Classification Scheme 2023. Collection method: clinical testing. Allele origin: germline.

Fulgent Genetics
Classification: Uncertain significance for Cardiac arrhythmia, ankyrin-B-related. Last evaluated: 2021-10-17. Review status: criteria provided, single submitter. Criteria: ACMG Guidelines, 2015. Collection method: clinical testing. Allele origin: unknown.

GeneDx
Classification: Uncertain significance. Last evaluated: 2019-09-13. Review status: criteria provided, single submitter. Criteria: GeneDx Variant Classification Process June 2021. Collection method: clinical testing. Allele origin: germline. Affected: yes.
Comment: Has not been previously published as pathogenic or benign to our knowledge; In silico analysis, which includes protein predictors and evolutionary conservation, supports a deleterious effect; Reported in ClinVar as a variant of uncertain significance but additional evidence is not available (ClinVar Variant ID# 190592; Landrum et al., 2016)

ARUP Laboratories, Molecular Genetics and Genomics, ARUP Laboratories
Classification: Uncertain significance. Last evaluated: 2017-03-02. Review status: criteria provided, single submitter. Criteria: ARUP Molecular Germline Variant Investigation Process. Collection method: clinical testing. Allele origin: germline.

PreventionGenetics, part of Exact Sciences
Classification: Uncertain significance for ANK2-related condition. Last evaluated: 2024-06-21. Review status: no assertion criteria provided. Collection method: clinical testing. Allele origin: germline. Not counted in ClinVar's aggregate classification.
Comment: The ANK2 c.1136G>T variant is predicted to result in the amino acid substitution p.Arg379Leu. To our knowledge, this variant has not been reported in the literature. This variant is reported in 0.020% of alleles in individuals of European (Non-Finnish) descent in gnomAD. At this time, the clinical significance of this variant is uncertain due to the absence of conclusive functional and genetic evidence.

Literature cited by the submitters: PubMed 28518168 (cited by Ambry Genetics); PubMed 32461654 (cited by Ambry Genetics).

NM_001148.6(ANK2):c.1136G>T (p.Arg379Leu)

Gene: ANK2 (ankyrin 2; plus strand). Cytogenetic location: 4q26.
Variant type: single nucleotide variant.
Coding change: c.1136G>T on transcript NM_001148.6 (MANE Select); coding-DNA position 1136, G replaced by T.
Protein change: p.Arg379Leu; replaces arginine 379 with leucine.
Molecular consequence: missense variant.
Genome position (GRCh38, 1-based): chr4:113,255,880, G>T. VCF-style: chr4-113255880-G-T. GRCh37 (hg19) VCF-style: chr4-114177036-G-T.
Other names: p.R379L:CGT>CTT; c.1073G>T, p.Arg358Leu (NM_001127493.3, NM_001354239.2, NM_001354243.2 and 14 more transcripts); c.1136G>T, p.Arg379Leu (NM_001354225.2, NM_001354228.2, NM_001354232.2 and 9 more transcripts); c.1181G>T, p.Arg394Leu (NM_001354230.2, NM_001354231.2, NM_001354237.2 and 5 more transcripts); c.1049G>T, p.Arg350Leu (NM_001354249.2, NM_001354260.2, NM_001354264.2 and 16 more transcripts); c.1094G>T, p.Arg365Leu (NM_001354261.2, NM_001386147.1, NM_001386160.1); c.1124G>T, p.Arg375Leu (NM_001354269.3, NM_001386148.2, NM_001386186.2); c.1187G>T, p.Arg396Leu (NM_001386174.1); and 2 more; short protein forms R358L, R379L, R375L, R394L, R365L, R350L, R367L, R388L.
Identifiers: ClinVar variation 190592 (VCV000190592.26), dbSNP rs186264035, ClinGen allele CA301011.
Genomic context (GRCh38, chr4:113,255,880, plus strand): 5'-ATGATGTCACCCTAGACTACCTGACAGCCCTCCACGTTGCTGCGCACTGTGGCCACTACC[G>T]TGTAACCAAACTCCTTTTAGACAAGAGAGCCAATCCGAACGCCAGAGCCCTGGTAAACTT-3'
Protein context (NP_001139.3, residues 369-389): LHVAAHCGHY[Arg379Leu]VTKLLLDKRA